The following is an entry in ClinVar:

NM_001042492.3(NF1):c.*2566C>T

Gene: NF1 (neurofibromin 1; plus strand). Cytogenetic location: 17q11.2.
Variant type: single nucleotide variant.
Coding change: c.*2566C>T on transcript NM_001042492.3 (MANE Select); 2566 bases downstream of the stop codon, C replaced by T.
Molecular consequence: 3 prime UTR variant.
Genome position (GRCh38, 1-based): chr17:31,376,721, C>T. VCF-style: chr17-31376721-C-T. GRCh37 (hg19) VCF-style: chr17-29703739-C-T.
Other names: c.*2566C>T (NM_000267.4).
Identifiers: ClinVar variation 322600 (VCV000322600.5), dbSNP rs545937364, ClinGen allele CA10649012.

ClinVar aggregate classification (germline): Benign/Likely benign. Review status: criteria provided, single submitter (1 of 4 stars). 4 submissions from 1 submitter: Benign (1); Likely benign (3). Last evaluated 2018-01-13.

Conditions:
Neurofibromatosis, familial spinal (FSNF). Identifiers: Orphanet 636, MedGen C1834235, MONDO:0008078, OMIM 162210. Disease mechanism: loss of function.
Neurofibromatosis-Noonan syndrome (NFNS). Also called: NEUROFIBROMATOSIS WITH NOONAN PHENOTYPE. Identifiers: Orphanet 638, MedGen C2931482, MONDO:0011035, OMIM 601321. Disease mechanism: loss of function.
Neurofibromatosis, type 1 (NF1). Also called: VON RECKLINGHAUSEN DISEASE; NEUROFIBROMATOSIS, TYPE I, SOMATIC; Neurofibromatosis, type I; Peripheral type neurofibromatosis. Identifiers: Orphanet 636, MedGen C0027831, MONDO:0018975, OMIM 162200. Disease mechanism: loss of function.
Café-au-lait macules with pulmonary stenosis (WTSN). Also called: PULMONIC STENOSIS WITH CAFE-AU-LAIT SPOTS. Identifiers: MedGen C0553586, MONDO:0008672, OMIM 193520.

Allele frequency attached by ClinVar (database versions not stated): 1000 Genomes Project 0.00040; gnomAD exomes 0.00045; TOPMed 0.00046; 1000 Genomes Project 30x 0.00047; gnomAD 0.00053.
gnomAD v4.1: 115 of 233,130 alleles (0.049%); highest among the groups gnomAD compares: Non-Finnish European, 0.078%; no homozygotes.

Submissions (4):

Illumina Laboratory Services, Illumina
Classification: Likely benign for Neurofibromatosis, familial spinal. Last evaluated: 2018-01-13. Review status: criteria provided, single submitter. Criteria: ICSL Variant Classification Criteria 13 December 2019. Collection method: clinical testing. Allele origin: germline.
Comment: This variant was observed in the ICSL laboratory as part of a predisposition screen in an ostensibly healthy population. It had not been previously curated by ICSL or reported in the Human Gene Mutation Database (HGMD: prior to June 1st, 2018), and was therefore a candidate for classification through an automated scoring system. Utilizing variant allele frequency, disease prevalence and penetrance estimates, and inheritance mode, an automated score was calculated to assess if this variant is too frequent to cause the disease. Based on the score and internal cut-off values, a variant classified as likely benign is not then subjected to further curation. The score for this variant resulted in a classification of likely benign for this disease.

Illumina Laboratory Services, Illumina
Classification: Likely benign for Neurofibromatosis, type 1. Last evaluated: 2018-01-13. Review status: criteria provided, single submitter. Criteria: ICSL Variant Classification Criteria 13 December 2019. Collection method: clinical testing. Allele origin: germline.
Comment: the same text as in the submission from Illumina Laboratory Services, Illumina above.

Illumina Laboratory Services, Illumina
Classification: Benign for Neurofibromatosis-Noonan syndrome. Last evaluated: 2018-01-13. Review status: criteria provided, single submitter. Criteria: ICSL Variant Classification Criteria 13 December 2019. Collection method: clinical testing. Allele origin: germline.
Comment: This variant was observed in the ICSL laboratory as part of a predisposition screen in an ostensibly healthy population. It had not been previously curated by ICSL or reported in the Human Gene Mutation Database (HGMD: prior to June 1st, 2018), and was therefore a candidate for classification through an automated scoring system. Utilizing variant allele frequency, disease prevalence and penetrance estimates, and inheritance mode, an automated score was calculated to assess if this variant is too frequent to cause the disease. Based on the score and internal cut-off values, a variant classified as benign is not then subjected to further curation. The score for this variant resulted in a classification of benign for this disease.

Illumina Laboratory Services, Illumina
Classification: Likely benign for Café-au-lait macules with pulmonary stenosis. Last evaluated: 2018-01-13. Review status: criteria provided, single submitter. Criteria: ICSL Variant Classification Criteria 13 December 2019. Collection method: clinical testing. Allele origin: germline.
Comment: the same text as in the submission from Illumina Laboratory Services, Illumina above.